The following is an entry in ClinVar:

NM_018026.4(PACS1):c.1577C>T (p.Thr526Ile)

Gene: PACS1 (phosphofurin acidic cluster sorting protein 1; plus strand). Cytogenetic location: 11q13.2.
Variant type: single nucleotide variant.
Coding change: c.1577C>T on transcript NM_018026.4 (MANE Select); coding-DNA position 1577, C replaced by T.
Protein change: p.Thr526Ile; replaces threonine 526 with isoleucine.
Molecular consequence: missense variant.
Genome position (GRCh38, 1-based): chr11:66,230,891, C>T. VCF-style: chr11-66230891-C-T. GRCh37 (hg19) VCF-style: chr11-65998362-C-T.
Other names: short protein forms T526I.
Identifiers: ClinVar variation 1713645 (VCV001713645.6), dbSNP rs1855577750, ClinGen allele CA381367667.
Genomic context (GRCh38, chr11:66,230,891, plus strand): 5'-GGCAGAAGAGGAGCACGCCCCTGAAGGAGCGGCAGCTCTCCAAGCCCCTAAGTGAGAGGA[C>T]CAACAGTTCCGACAGCGAGCGCTCCCCAGATCTGGGCCACAGCACGCAGGTACTTCTGGG-3'
Protein context (NP_060496.2, residues 516-536): RQLSKPLSER[Thr526Ile]NSSDSERSPD

ClinVar aggregate classification (germline): Uncertain significance (1 of 4 stars; one submission).

Conditions:
Schuurs-Hoeijmakers syndrome. Also called: PACS1-Related Neurodevelopmental Disorder. Identifiers: Orphanet 329224, MedGen C3554343, MONDO:0014006, OMIM 615009.

Allele frequency attached by ClinVar (database versions not stated): gnomAD exomes below 0.00001.
gnomAD v4.1: 1 of 1,614,212 alleles (0.000062%); highest among the groups gnomAD compares: South Asian, 0.0011%; no homozygotes.

Submission:

Labcorp Genetics (formerly Invitae), Labcorp
Classification: Uncertain significance for Schuurs-Hoeijmakers syndrome. Last evaluated: 2022-07-24. Review status: criteria provided, single submitter. Criteria: Invitae Variant Classification Sherloc (09022015). Collection method: clinical testing. Allele origin: germline.
Comment: This sequence change replaces threonine, which is neutral and polar, with isoleucine, which is neutral and non-polar, at codon 526 of the PACS1 protein (p.Thr526Ile). In summary, the available evidence is currently insufficient to determine the role of this variant in disease. Therefore, it has been classified as a Variant of Uncertain Significance. Algorithms developed to predict the effect of missense changes on protein structure and function are either unavailable or do not agree on the potential impact of this missense change (SIFT: "Deleterious"; PolyPhen-2: "Probably Damaging"; Align-GVGD: "Class C0"). This variant has not been reported in the literature in individuals affected with PACS1-related conditions. This variant is not present in population databases (gnomAD no frequency).